The following is an entry in ClinVar:

NM_001297.5(CNGB1):c.874+4A>C

Gene: CNGB1 (cyclic nucleotide gated channel subunit beta 1; minus strand). Cytogenetic location: 16q21.
Variant type: single nucleotide variant.
Coding change: c.874+4A>C on transcript NM_001297.5 (MANE Select); 4 bases into the intron after coding-DNA position 874, A replaced by C.
Molecular consequence: intron variant.
Genome position (GRCh38, 1-based): chr16:57,957,337, T>G on the plus strand (A>C on the coding strand, the complement: CNGB1 is on the minus strand). VCF-style: chr16-57957337-T-G. GRCh37 (hg19) VCF-style: chr16-57991241-T-G.
Other names: c.856+4A>C (NM_001286130.2); c.874+4A>C (NM_001135639.2).
Identifiers: ClinVar variation 4726238 (VCV004726238.1).

ClinVar aggregate classification (germline): Uncertain significance (1 of 4 stars; one submission).

Submission:

Labcorp Genetics (formerly Invitae), Labcorp
Classification: Uncertain significance. Last evaluated: 2025-09-02. Review status: criteria provided, single submitter. Criteria: Invitae Variant Classification Sherloc (09022015). Collection method: clinical testing. Allele origin: germline.
Comment: This sequence change falls in intron 12 of the CNGB1 gene. It does not directly change the encoded amino acid sequence of the CNGB1 protein. It affects a nucleotide within the consensus splice site. This variant is not present in population databases (gnomAD no frequency). This variant has not been reported in the literature in individuals affected with CNGB1-related conditions. Variants that disrupt the consensus splice site are a relatively common cause of aberrant splicing (PMID: 17576681, 9536098). Algorithms developed to predict the effect of sequence changes on RNA splicing suggest that this variant may disrupt the consensus splice site. In summary, the available evidence is currently insufficient to determine the role of this variant in disease. Therefore, it has been classified as a Variant of Uncertain Significance.

Literature cited by the submitters: PubMed 17576681; PubMed 9536098.